The following is an entry in ClinVar:

ClinVar aggregate classification (germline): Uncertain significance (1 of 4 stars; one submission).

Conditions:
Cone-rod dystrophy 10 (CORD10). Identifiers: Orphanet 1872, MedGen C1846529, MONDO:0012464, OMIM 610283.
Retinitis pigmentosa 35 (RP35). Identifiers: Orphanet 791, MedGen C1853214, MONDO:0012463, OMIM 610282.

Allele frequency attached by ClinVar (database versions not stated): gnomAD exomes below 0.00001; gnomAD 0.00001.

Submission:

Labcorp Genetics (formerly Invitae), Labcorp
Classification: Uncertain significance. Last evaluated: 2022-11-01. Review status: criteria provided, single submitter. Criteria: Invitae Variant Classification Sherloc (09022015). Collection method: clinical testing. Allele origin: germline.
Comment: In summary, the available evidence is currently insufficient to determine the role of this variant in disease. Therefore, it has been classified as a Variant of Uncertain Significance. Advanced modeling of protein sequence and biophysical properties (such as structural, functional, and spatial information, amino acid conservation, physicochemical variation, residue mobility, and thermodynamic stability) performed at Invitae indicates that this missense variant is not expected to disrupt SEMA4A protein function. ClinVar contains an entry for this variant (Variation ID: 1014809). This variant has not been reported in the literature in individuals affected with SEMA4A-related conditions. This variant is present in population databases (no rsID available, gnomAD 0.006%). This sequence change replaces aspartic acid, which is acidic and polar, with asparagine, which is neutral and polar, at codon 313 of the SEMA4A protein (p.Asp313Asn).

NM_022367.4(SEMA4A):c.937G>A (p.Asp313Asn)

Gene: SEMA4A (semaphorin 4A; plus strand). Cytogenetic location: 1q22.
Variant type: single nucleotide variant.
Coding change: c.937G>A on transcript NM_022367.4 (MANE Select); coding-DNA position 937, G replaced by A.
Protein change: p.Asp313Asn; replaces aspartic acid 313 with asparagine.
Molecular consequence: missense variant.
Genome position (GRCh38, 1-based): chr1:156,161,472, G>A. VCF-style: chr1-156161472-G-A. GRCh37 (hg19) VCF-style: chr1-156131263-G-A.
Other names: c.937G>A (NM_022367.3); c.937G>A, p.Asp313Asn (NM_001193300.2, NM_001193301.2, NM_001370567.1); c.541G>A, p.Asp181Asn (NM_001193302.2); c.640G>A, p.Asp214Asn (NM_001370568.1); c.430G>A, p.Asp144Asn (NM_001370569.1, NM_001370571.1); short protein forms D144N, D181N, D214N, D313N.
Identifiers: ClinVar variation 1014809 (VCV001014809.9), dbSNP rs1461418667, ClinGen allele CA342839545.